The following is an entry in ClinVar:

ClinVar aggregate classification (germline): Uncertain significance (1 of 4 stars; one submission).

Conditions:
Familial thoracic aortic aneurysm and aortic dissection (TAAD). Also called: Thoracic aortic aneurysms and dissections. Identifiers: Orphanet 91387, MedGen C4707243, MONDO:0019625.

Allele frequency attached by ClinVar (database versions not stated): gnomAD exomes below 0.00001; gnomAD 0.00002.

Submission:

Labcorp Genetics (formerly Invitae), Labcorp
Classification: Uncertain significance for Familial thoracic aortic aneurysm and aortic dissection. Last evaluated: 2023-07-16. Review status: criteria provided, single submitter. Criteria: Invitae Variant Classification Sherloc (09022015). Collection method: clinical testing. Allele origin: germline.
Comment: In summary, the available evidence is currently insufficient to determine the role of this variant in disease. Therefore, it has been classified as a Variant of Uncertain Significance. Advanced modeling of protein sequence and biophysical properties (such as structural, functional, and spatial information, amino acid conservation, physicochemical variation, residue mobility, and thermodynamic stability) performed at Invitae indicates that this missense variant is not expected to disrupt TGFBR1 protein function. ClinVar contains an entry for this variant (Variation ID: 2109562). This variant has not been reported in the literature in individuals affected with TGFBR1-related conditions. This variant is present in population databases (no rsID available, gnomAD 0.01%). This sequence change replaces methionine, which is neutral and non-polar, with isoleucine, which is neutral and non-polar, at codon 142 of the TGFBR1 protein (p.Met142Ile).

NM_004612.4(TGFBR1):c.426G>A (p.Met142Ile)

Gene: TGFBR1 (transforming growth factor beta receptor 1; plus strand). Cytogenetic location: 9q22.33.
Variant type: single nucleotide variant.
Coding change: c.426G>A on transcript NM_004612.4 (MANE Select); coding-DNA position 426, G replaced by A.
Protein change: p.Met142Ile; replaces methionine 142 with isoleucine.
Molecular consequence: missense variant. On other transcripts: intron variant (1).
Genome position (GRCh38, 1-based): chr9:99,132,591, G>A. VCF-style: chr9-99132591-G-A. GRCh37 (hg19) VCF-style: chr9-101894873-G-A.
Other names: c.438G>A, p.Met146Ile (NM_001306210.2, NM_001407416.1); c.426G>A, p.Met142Ile (NM_001407417.1, NM_001407435.1); c.231G>A, p.Met77Ile (NM_001407418.1, NM_001407419.1, NM_001407420.1 and 1 more transcripts); c.219G>A, p.Met73Ile (NM_001407423.1, NM_001407424.1, NM_001407425.1 and 8 more transcripts); c.180G>A, p.Met60Ile (NM_001407436.1); c.343+3491G>A (NM_001130916.3); short protein forms M146I, M73I, M142I, M60I, M77I.
Identifiers: ClinVar variation 2109562 (VCV002109562.4), dbSNP rs1331273615, ClinGen allele CA374227998.